The following is an entry in ClinVar:

NM_001005388.3(NFASC):c.2318G>A (p.Arg773Gln)

Gene: NFASC (neurofascin; plus strand). Cytogenetic location: 1q32.1.
Variant type: single nucleotide variant.
Coding change: c.2318G>A on transcript NM_001005388.3 (MANE Select); coding-DNA position 2318, G replaced by A.
Protein change: p.Arg773Gln; replaces arginine 773 with glutamine.
Molecular consequence: missense variant.
Genome position (GRCh38, 1-based): chr1:204,981,868, G>A. VCF-style: chr1-204981868-G-A. GRCh37 (hg19) VCF-style: chr1-204950996-G-A.
Other names: c.2351G>A, p.Arg784Gln (NM_001160331.2); c.2306G>A, p.Arg769Gln (NM_001160332.2, NM_001365986.1, NM_015090.4); c.2318G>A, p.Arg773Gln (NM_001378329.1); short protein forms R769Q, R773Q, R784Q.
Identifiers: ClinVar variation 2434340 (VCV002434340.31), dbSNP rs139205012, ClinGen allele CA1350246.

ClinVar aggregate classification (germline): Conflicting classifications of pathogenicity. Review status: criteria provided, conflicting classifications (1 of 4 stars). 3 submissions from 3 submitters: Uncertain significance (1); Likely benign (2). Last evaluated 2026-04-01.

Conditions:
Neurodevelopmental disorder with central and peripheral motor dysfunction. Identifiers: MedGen C5193049, MONDO:0032698, OMIM 618356.

Allele frequency attached by ClinVar (database versions not stated): ESP Exome Variant Server 0.00046; 1000 Genomes Project 30x 0.00109; 1000 Genomes Project 0.00120; gnomAD 0.00132; ExAC 0.00146.
gnomAD v4.1: 1,777 of 1,605,410 alleles (0.11%); highest among the groups gnomAD compares: Middle Eastern, 0.2%; 6 homozygotes.

Submissions (3):

CeGaT Center for Human Genetics Tuebingen
Classification: Likely benign. Last evaluated: 2026-04-01. Review status: criteria provided, single submitter. Criteria: CeGaT Center For Human Genetics Tuebingen Variant Classification Criteria Version 2. Collection method: clinical testing. Allele origin: germline. Affected: yes. Observed: 3 variant alleles.
Comment: NFASC: BS2

Blueprint Genetics
Classification: Likely benign. Last evaluated: 2024-11-20. Review status: criteria provided, single submitter. Criteria: ACMG Guidelines, 2015. Collection method: clinical testing. Allele origin: germline.

Revvity Omics, Revvity
Classification: Uncertain significance for Neurodevelopmental disorder with central and peripheral motor dysfunction. Last evaluated: 2021-09-21. Review status: criteria provided, single submitter. Criteria: ACMG Guidelines, 2015. Collection method: clinical testing. Allele origin: germline.